The following is an entry in ClinVar:

NM_058216.3(RAD51C):c.854A>G (p.Gln285Arg)

Gene: RAD51C (RAD51 paralog C; plus strand). Cytogenetic location: 17q22.
Variant type: single nucleotide variant.
Coding change: c.854A>G on transcript NM_058216.3 (MANE Select); coding-DNA position 854, A replaced by G.
Protein change: p.Gln285Arg; replaces glutamine 285 with arginine.
Molecular consequence: missense variant. On other transcripts: non-coding transcript variant (1).
Genome position (GRCh38, 1-based): chr17:58,720,762, A>G. VCF-style: chr17-58720762-A-G. GRCh37 (hg19) VCF-style: chr17-56798123-A-G.
Other names: short protein forms Q285R.
Identifiers: ClinVar variation 232834 (VCV000232834.17), dbSNP rs876660018, ClinGen allele CA10580753.

ClinVar aggregate classification (germline): Uncertain significance. Review status: criteria provided, multiple submitters, no conflicts (2 of 4 stars). 3 submissions from 3 submitters: Uncertain significance (3). Last evaluated 2025-11-17.

Conditions:
Hereditary cancer-predisposing syndrome. Also called: Hereditary Cancer Syndrome; Neoplastic Syndromes, Hereditary; Tumor predisposition; Hereditary neoplastic syndrome. Identifiers: Orphanet 140162, MedGen C0027672, MeSH D009386, MONDO:0015356.
Fanconi anemia complementation group O. Also called: RAD51C-Related Fanconi Anemia. Identifiers: Orphanet 84, MedGen C3150653, MONDO:0013248, OMIM 613390.

Submissions (3):

Labcorp Genetics (formerly Invitae), Labcorp
Classification: Uncertain significance for Fanconi anemia complementation group O. Last evaluated: 2025-11-17. Review status: criteria provided, single submitter. Criteria: Invitae Variant Classification Sherloc (09022015). Collection method: clinical testing. Allele origin: germline.
Comment: This sequence change replaces glutamine, which is neutral and polar, with arginine, which is basic and polar, at codon 285 of the RAD51C protein (p.Gln285Arg). This variant is not present in population databases (gnomAD no frequency). This variant has not been reported in the literature in individuals affected with RAD51C-related conditions. ClinVar contains an entry for this variant (Variation ID: 232834). Invitae Evidence Modeling of protein sequence and biophysical properties (such as structural, functional, and spatial information, amino acid conservation, physicochemical variation, residue mobility, and thermodynamic stability) indicates that this missense variant is expected to disrupt RAD51C protein function with a positive predictive value of 80%. In summary, the available evidence is currently insufficient to determine the role of this variant in disease. Therefore, it has been classified as a Variant of Uncertain Significance.

Ambry Genetics
Classification: Uncertain significance for Hereditary cancer-predisposing syndrome. Last evaluated: 2024-10-06. Review status: criteria provided, single submitter. Criteria: Ambry Variant Classification Scheme 2023. Collection method: clinical testing. Allele origin: germline.
Comment: The p.Q285R variant (also known as c.854A>G), located in coding exon 6 of the RAD51C gene, results from an A to G substitution at nucleotide position 854. The glutamine at codon 285 is replaced by arginine, an amino acid with highly similar properties. This amino acid position is highly conserved in available vertebrate species. In addition, this alteration is predicted to be deleterious by in silico analysis. Since supporting evidence is limited at this time, the clinical significance of this alteration remains unclear.

Sema4
Classification: Uncertain significance for Hereditary cancer-predisposing syndrome. Last evaluated: 2021-11-27. Review status: criteria provided, single submitter. Criteria: Sema4 Curation Guidelines. Collection method: curation. Allele origin: germline.
Comment: The RAD51C c.854A>G (p.Q285R) variant has not been reported in the literature to our knowledge. It was not observed in the large and broad cohorts of the Genome Aggregation Database (PMID: 32461654). This variant has been reported in ClinVar (Variation ID: 232834). In silico tools suggest the impact of the variant on protein function is deleterious, though these predictions have not been confirmed by functional studies. The overall evidence is insufficient to meet ACMG/AMP criteria for classifying the variant as benign or pathogenic. Thus, the clinical significance of this variant is currently uncertain.